The following is an entry in ClinVar:

NM_000080.4(CHRNE):c.1338C>G (p.Asp446Glu)

Gene: CHRNE (cholinergic receptor nicotinic epsilon subunit; minus strand). Cytogenetic location: 17p13.2.
Variant type: single nucleotide variant.
Coding change: c.1338C>G on transcript NM_000080.4 (MANE Select); coding-DNA position 1338, C replaced by G.
Protein change: p.Asp446Glu; replaces aspartic acid 446 with glutamic acid.
Molecular consequence: missense variant.
Genome position (GRCh38, 1-based): chr17:4,898,880, G>C on the plus strand (C>G on the coding strand, the complement: CHRNE is on the minus strand). VCF-style: chr17-4898880-G-C. GRCh37 (hg19) VCF-style: chr17-4802175-G-C.
Other names: short protein forms D446E.
Identifiers: ClinVar variation 2194670 (VCV002194670.1), dbSNP rs755412049, ClinGen allele CA8313849.

ClinVar aggregate classification (germline): Uncertain significance (1 of 4 stars; one submission).

Conditions:
Congenital myasthenic syndrome 4A. Also called: MYASTHENIC SYNDROME, CONGENITAL, 4A, SLOW-CHANNEL, AUTOSOMAL RECESSIVE; CONGENITAL MYASTHENIC SYNDROME TYPE Ia1; Myasthenic syndrome, congenital, 4a, slow-channel. Identifiers: Orphanet 590, MedGen C4225413, MONDO:0011600, OMIM 605809.

Allele frequency attached by ClinVar (database versions not stated): gnomAD exomes below 0.00001; ExAC 0.00002.
gnomAD v4.1: 2 of 1,581,484 alleles (0.00013%); highest among the groups gnomAD compares: Non-Finnish European, 0.00017%; no homozygotes.

Submission:

Labcorp Genetics (formerly Invitae), Labcorp
Classification: Uncertain significance for Congenital myasthenic syndrome 4A. Last evaluated: 2022-05-22. Review status: criteria provided, single submitter. Criteria: Invitae Variant Classification Sherloc (09022015). Collection method: clinical testing. Allele origin: germline.
Comment: This sequence change replaces aspartic acid, which is acidic and polar, with glutamic acid, which is acidic and polar, at codon 446 of the CHRNE protein (p.Asp446Glu). The frequency data for this variant in the population databases is considered unreliable, as metrics indicate poor data quality at this position in the gnomAD database. This variant has not been reported in the literature in individuals affected with CHRNE-related conditions. Advanced modeling of protein sequence and biophysical properties (such as structural, functional, and spatial information, amino acid conservation, physicochemical variation, residue mobility, and thermodynamic stability) performed at Invitae indicates that this missense variant is not expected to disrupt CHRNE protein function. In summary, the available evidence is currently insufficient to determine the role of this variant in disease. Therefore, it has been classified as a Variant of Uncertain Significance.